The following is an entry in ClinVar:

ClinVar aggregate classification (germline): Likely benign. Review status: criteria provided, multiple submitters, no conflicts (2 of 4 stars). 3 submissions from 3 submitters: Likely benign (2). 1 of the submissions does not count toward it. Last evaluated 2024-11-22.

Conditions:
BLTP1-related disorder. Also called: BLTP1-related condition.

Allele frequency attached by ClinVar (database versions not stated): 1000 Genomes Project 30x 0.00031; 1000 Genomes Project 0.00040; gnomAD 0.00089; TOPMed 0.00098; ExAC 0.00116; gnomAD exomes 0.00116; ESP Exome Variant Server 0.00134.
gnomAD v4.1: 1,826 of 1,611,866 alleles (0.11%); highest among the groups gnomAD compares: Middle Eastern, 0.27%; 7 homozygotes.

Submissions (3):

Blueprint Genetics
Classification: Likely benign. Last evaluated: 2024-11-22. Review status: criteria provided, single submitter. Criteria: ACMG Guidelines, 2015. Collection method: clinical testing. Allele origin: germline.

Ambry Genetics
Classification: Likely benign. Last evaluated: 2021-11-29. Review status: criteria provided, single submitter. Criteria: Ambry Variant Classification Scheme 2023. Collection method: clinical testing. Allele origin: germline.

PreventionGenetics, part of Exact Sciences
Classification: Likely benign for BLTP1-related condition. Last evaluated: 2022-03-08. Review status: no assertion criteria provided. Collection method: clinical testing. Allele origin: germline. Not counted in ClinVar's aggregate classification.
Comment: This variant is classified as likely benign based on ACMG/AMP sequence variant interpretation guidelines (Richards et al. 2015 PMID: 25741868, with internal and published modifications).

NM_001384125.1(BLTP1):c.11572C>T (p.Arg3858Cys)

Gene: BLTP1 (bridge-like lipid transfer protein family member 1; plus strand). Cytogenetic location: 4q27.
Variant type: single nucleotide variant.
Coding change: c.11572C>T on transcript NM_001384125.1 (MANE Select); coding-DNA position 11572, C replaced by T.
Protein change: p.Arg3858Cys; replaces arginine 3858 with cysteine.
Molecular consequence: missense variant.
Genome position (GRCh38, 1-based): chr4:122,331,384, C>T. VCF-style: chr4-122331384-C-T. GRCh37 (hg19) VCF-style: chr4-123252539-C-T.
Other names: c.11308C>T, p.Arg3770Cys (NM_015312.4); short protein forms R3770C, R3858C.
Identifiers: ClinVar variation 3060413 (VCV003060413.4), dbSNP rs77586875, ClinGen allele CA3067797.